The following is an entry in ClinVar:

NM_004006.3(DMD):c.1704+4T>G

Gene: DMD (dystrophin; minus strand). Cytogenetic location: Xp21.1.
Variant type: single nucleotide variant.
Coding change: c.1704+4T>G on transcript NM_004006.3 (MANE Select); 4 bases into the intron after coding-DNA position 1704, T replaced by G.
Molecular consequence: intron variant.
Genome position (GRCh38, 1-based): chrX:32,573,741, A>C on the plus strand (T>G on the coding strand, the complement: DMD is on the minus strand). VCF-style: chrX-32573741-A-C. GRCh37 (hg19) VCF-style: chrX-32591858-A-C.
Other names: c.1680+4T>G (NM_000109.4); c.1692+4T>G (NM_004009.3); c.1335+4T>G (NM_004010.3).
Identifiers: ClinVar variation 3606062 (VCV003606062.2).

ClinVar aggregate classification (germline): Uncertain significance (1 of 4 stars; one submission).

Conditions:
Duchenne muscular dystrophy (DMD). Also called: MUSCULAR DYSTROPHY, PSEUDOHYPERTROPHIC PROGRESSIVE, DUCHENNE TYPE; Duchenne Muscular Dystrophy (DMD). Identifiers: Orphanet 98896, MedGen C0013264, MONDO:0010679, OMIM 310200.

gnomAD v4.1: 1 of 1,209,631 alleles (0.000083%); highest among the groups gnomAD compares: Admixed American, 0.0022%; no homozygotes.

Submission:

Labcorp Genetics (formerly Invitae), Labcorp
Classification: Uncertain significance for Duchenne muscular dystrophy. Last evaluated: 2024-07-23. Review status: criteria provided, single submitter. Criteria: Invitae Variant Classification Sherloc (09022015). Collection method: clinical testing. Allele origin: germline.
Comment: This sequence change falls in intron 14 of the DMD gene. It does not directly change the encoded amino acid sequence of the DMD protein. It affects a nucleotide within the consensus splice site. This variant is present in population databases (no rsID available, gnomAD 0.004%). This variant has not been reported in the literature in individuals affected with DMD-related conditions. Variants that disrupt the consensus splice site are a relatively common cause of aberrant splicing (PMID: 17576681, 9536098). Algorithms developed to predict the effect of sequence changes on RNA splicing suggest that this variant is not likely to affect RNA splicing. In summary, the available evidence is currently insufficient to determine the role of this variant in disease. Therefore, it has been classified as a Variant of Uncertain Significance.

Literature cited by the submitters: PubMed 17576681; PubMed 9536098.